The following is an entry in ClinVar:

NM_176824.3(BBS7):c.76G>A (p.Ala26Thr)

Gene: BBS7 (Bardet-Biedl syndrome 7; minus strand). Cytogenetic location: 4q27.
Variant type: single nucleotide variant.
Coding change: c.76G>A on transcript NM_176824.3 (MANE Select); coding-DNA position 76, G replaced by A.
Protein change: p.Ala26Thr; replaces alanine 26 with threonine.
Molecular consequence: missense variant.
Genome position (GRCh38, 1-based): chr4:121,868,007, C>T on the plus strand (G>A on the coding strand, the complement: BBS7 is on the minus strand). VCF-style: chr4-121868007-C-T. GRCh37 (hg19) VCF-style: chr4-122789162-C-T.
Other names: c.76G>A, p.Ala26Thr (NM_018190.4); short protein forms A26T.
Identifiers: ClinVar variation 968587 (VCV000968587.9), dbSNP rs766450289, ClinGen allele CA3064613.

ClinVar aggregate classification (germline): Uncertain significance. Review status: criteria provided, multiple submitters, no conflicts (2 of 4 stars). 6 submissions from 6 submitters: Uncertain significance (5). 1 of the submissions does not count toward it. Last evaluated 2025-11-08.

Conditions:
BBS7-related ciliopathy. Identifiers: MedGen CN378628, MONDO:1040042.
Bardet-Biedl syndrome (BBS). Identifiers: Orphanet 110, MedGen C0752166, MONDO:0015229.
Bardet-Biedl syndrome 7 (BBS7). Identifiers: Orphanet 110, MedGen C1859565, MONDO:0014435, OMIM 615984.
BBS7-related disorder. Also called: BBS7-related condition.
Inborn genetic diseases. Identifiers: MedGen C0950123, MeSH D030342.

Allele frequency attached by ClinVar (database versions not stated): ExAC 0.00001; gnomAD exomes 0.00001; TOPMed 0.00001.
gnomAD v4.1: 9 of 1,613,534 alleles (0.00056%); highest among the groups gnomAD compares: Admixed American, 0.0033%; no homozygotes.

Submissions (6):

Ambry Genetics
Classification: Uncertain significance for Inborn genetic diseases. Last evaluated: 2025-11-08. Review status: criteria provided, single submitter. Criteria: Ambry Variant Classification Scheme 2023. Collection method: clinical testing. Allele origin: germline.

Blueprint Genetics
Classification: Uncertain significance. Last evaluated: 2023-05-11. Review status: criteria provided, single submitter. Criteria: ACMG Guidelines, 2015. Collection method: clinical testing. Allele origin: germline.

New York Genome Center
Classification: Uncertain significance for Bardet-Biedl syndrome 7. Last evaluated: 2023-03-20. Review status: criteria provided, single submitter. Criteria: NYGC Assertion Criteria 2020. Collection method: clinical testing. Allele origin: germline. Observed: 1 heterozygote.

Labcorp Genetics (formerly Invitae), Labcorp
Classification: Uncertain significance for Bardet-Biedl syndrome. Last evaluated: 2022-10-25. Review status: criteria provided, single submitter. Criteria: Invitae Variant Classification Sherloc (09022015). Collection method: clinical testing. Allele origin: germline.
Comment: This sequence change replaces alanine, which is neutral and non-polar, with threonine, which is neutral and polar, at codon 26 of the BBS7 protein (p.Ala26Thr). This variant is present in population databases (rs766450289, gnomAD 0.006%). This variant has not been reported in the literature in individuals affected with BBS7-related conditions. ClinVar contains an entry for this variant (Variation ID: 968587). Advanced modeling of protein sequence and biophysical properties (such as structural, functional, and spatial information, amino acid conservation, physicochemical variation, residue mobility, and thermodynamic stability) performed at Invitae indicates that this missense variant is not expected to disrupt BBS7 protein function. In summary, the available evidence is currently insufficient to determine the role of this variant in disease. Therefore, it has been classified as a Variant of Uncertain Significance.

Department of Pathology and Laboratory Medicine, Sinai Health System
Classification: Uncertain significance for BBS7-related ciliopathy. Last evaluated: 2021-07-30. Review status: criteria provided, single submitter. Criteria: ACMG Guidelines, 2015. Collection method: research. Allele origin: germline.

PreventionGenetics, part of Exact Sciences
Classification: Uncertain significance for BBS7-related condition. Last evaluated: 2024-06-17. Review status: no assertion criteria provided. Collection method: clinical testing. Allele origin: germline. Not counted in ClinVar's aggregate classification.
Comment: The BBS7 c.76G>A variant is predicted to result in the amino acid substitution p.Ala26Thr. To our knowledge, this variant has not been reported in the literature. This variant is reported in 0.0058% of alleles in individuals of Latino descent in gnomAD. At this time, the clinical significance of this variant is uncertain due to the absence of conclusive functional and genetic evidence.